The following is an entry in ClinVar:

ClinVar aggregate classification (germline): Benign/Likely benign. Review status: criteria provided, multiple submitters, no conflicts (2 of 4 stars). 3 submissions from 3 submitters: Benign (1); Likely benign (2). Last evaluated 2024-10-01.

Conditions:
Familial cancer of breast. Also called: BREAST CANCER, FAMILIAL; Hereditary breast cancer; hereditary breast carcinoma. Identifiers: Orphanet 227535, MedGen C0346153, MONDO:0016419, OMIM 114480. Disease mechanism: loss of function.
Hereditary cancer-predisposing syndrome. Also called: Hereditary neoplastic syndrome; Neoplastic Syndromes, Hereditary; Hereditary Cancer Syndrome; Tumor predisposition. Identifiers: Orphanet 140162, MedGen C0027672, MeSH D009386, MONDO:0015356.

Allele frequency attached by ClinVar (database versions not stated): gnomAD exomes below 0.00001.
gnomAD v4.1: 1 of 1,614,072 alleles (0.000062%); highest among the groups gnomAD compares: South Asian, 0.0011%; no homozygotes.

Submissions (3):

Myriad Genetics, Inc.
Classification: Benign for Familial cancer of breast. Last evaluated: 2024-10-01. Review status: criteria provided, single submitter. Criteria: Myriad Autosomal Dominant, Autosomal Recessive and X-Linked Classification Criteria (2023). Collection method: clinical testing. Allele origin: unknown.
Comment: This variant is considered benign. This variant is a silent/synonymous amino acid change and it is not expected to impact splicing.

Labcorp Genetics (formerly Invitae), Labcorp
Classification: Likely benign for Familial cancer of breast. Last evaluated: 2020-03-17. Review status: criteria provided, single submitter. Criteria: Invitae Variant Classification Sherloc (09022015). Collection method: clinical testing. Allele origin: germline.

Ambry Genetics
Classification: Likely benign for Hereditary cancer-predisposing syndrome. Last evaluated: 2018-04-16. Review status: criteria provided, single submitter. Criteria: Ambry Variant Classification Scheme 2023. Collection method: clinical testing. Allele origin: germline.

NM_007194.4(CHEK2):c.75T>C (p.Val25=)

Gene: CHEK2 (checkpoint kinase 2; minus strand). Cytogenetic location: 22q12.1.
Variant type: single nucleotide variant.
Coding change: c.75T>C on transcript NM_007194.4 (MANE Select); coding-DNA position 75, T replaced by C.
Protein change: p.Val25=; no amino-acid change (valine 25 retained).
Molecular consequence: synonymous variant.
Genome position (GRCh38, 1-based): chr22:28,734,647, A>G on the plus strand (T>C on the coding strand, the complement: CHEK2 is on the minus strand). VCF-style: chr22-28734647-A-G. GRCh37 (hg19) VCF-style: chr22-29130635-A-G.
Other names: c.75T>C, p.Val25= (NM_001005735.3, NM_001349956.3, NM_145862.3); c.-703T>C (NM_001257387.3).
Identifiers: ClinVar variation 530219 (VCV000530219.17), dbSNP rs1555932812, ClinGen allele CA513946625.